The following is an entry in ClinVar:

ClinVar aggregate classification (germline): Conflicting classifications of pathogenicity. Review status: criteria provided, conflicting classifications (1 of 4 stars). 7 submissions from 7 submitters: Uncertain significance (1); Benign (1); Likely benign (4). 1 of the submissions does not count toward it. Last evaluated 2026-01-26.

Conditions:
EYA1-related disorder. Also called: EYA1-related condition.
Otofaciocervical syndrome 1 (OTFCS). Identifiers: MedGen C3714941, MONDO:0024532, OMIM 166780.
Branchiootic syndrome 1 (BOS1). Also called: BO SYNDROME 1; BRANCHIOOTIC DYSPLASIA. Identifiers: MedGen C1865143, MONDO:0011258, OMIM 602588.
Branchiootorenal syndrome 1. Also called: Branchio-Oto-Renal Syndrome 1. Identifiers: Orphanet 107, MedGen C4551702, MONDO:0007236, OMIM 113650.
Melnick-Fraser syndrome (BOR). Also called: Branchio-oto-renal syndrome; Branchiootorenal Syndrome (BORS); Branchiootorenal syndrome. Identifiers: Orphanet 107, MedGen C0265234, MONDO:0007029.
Inborn genetic diseases. Identifiers: MedGen C0950123, MeSH D030342.

Allele frequency attached by ClinVar (database versions not stated): gnomAD 0.00002; TOPMed 0.00005; gnomAD exomes 0.00007 and 0.00015; ExAC 0.00012.
gnomAD v4.1: 45 of 1,613,292 alleles (0.0028%); highest among the groups gnomAD compares: Admixed American, 0.072%; no homozygotes.

Submissions (7):

Labcorp Genetics (formerly Invitae), Labcorp
Classification: Likely benign for Melnick-Fraser syndrome. Last evaluated: 2026-01-26. Review status: criteria provided, single submitter. Criteria: Invitae Variant Classification Sherloc (09022015). Collection method: clinical testing. Allele origin: germline.

Ambry Genetics
Classification: Uncertain significance for Inborn genetic diseases. Last evaluated: 2025-08-14. Review status: criteria provided, single submitter. Criteria: Ambry Variant Classification Scheme 2023. Collection method: clinical testing. Allele origin: germline.

Mayo Clinic Laboratories, Mayo Clinic
Classification: Benign. Last evaluated: 2024-11-06. Review status: criteria provided, single submitter. Criteria: ACMG Guidelines, 2015. Collection method: clinical testing. Allele origin: germline. Observed: 1 variant allele.
Comment: BS1, BS2

Fulgent Genetics
Classification: Likely benign for Branchiootorenal syndrome 1; Otofaciocervical syndrome 1; Branchiootic syndrome 1. Last evaluated: 2022-02-23. Review status: criteria provided, single submitter. Criteria: ACMG Guidelines, 2015. Collection method: clinical testing. Allele origin: unknown.

GeneDx
Classification: Likely benign. Last evaluated: 2020-07-01. Review status: criteria provided, single submitter. Criteria: GeneDx Variant Classification Process June 2021. Collection method: clinical testing. Allele origin: germline. Affected: yes.
Comment: In silico analysis supports that this missense variant does not alter protein structure/function; Has not been previously published as pathogenic or benign to our knowledge

Laboratory for Molecular Medicine, Mass General Brigham Personalized Medicine
Classification: Likely benign. Last evaluated: 2019-08-28. Review status: criteria provided, single submitter. Criteria: LMM Criteria. Collection method: clinical testing. Allele origin: germline. Observed: 3 variant alleles.
Comment: The p.Thr36Ile variant in EYA1 is classified as likely benign because it has been identified in 0.12% (39/33582) of Latino chromosomes by the Genome Aggregation Database (gnomAD; dbSNP rs727503048). Computational prediction tools and conservation analyses suggest that this variant may not impact the protein. ACMG/AMP Criteria applied: BS1, BP4.

PreventionGenetics, part of Exact Sciences
Classification: Likely benign for EYA1-related condition. Last evaluated: 2023-09-05. Review status: no assertion criteria provided. Collection method: clinical testing. Allele origin: germline. Not counted in ClinVar's aggregate classification.
Comment: This variant is classified as likely benign based on ACMG/AMP sequence variant interpretation guidelines (Richards et al. 2015 PMID: 25741868, with internal and published modifications).

NM_000503.6(EYA1):c.107C>T (p.Thr36Ile)

Gene: EYA1 (EYA transcriptional coactivator and phosphatase 1; minus strand). Cytogenetic location: 8q13.3.
Variant type: single nucleotide variant.
Coding change: c.107C>T on transcript NM_000503.6 (MANE Select); coding-DNA position 107, C replaced by T.
Protein change: p.Thr36Ile; replaces threonine 36 with isoleucine.
Molecular consequence: missense variant. On other transcripts: 5 prime UTR variant (1).
Genome position (GRCh38, 1-based): chr8:71,354,799, G>A on the plus strand (C>T on the coding strand, the complement: EYA1 is on the minus strand). VCF-style: chr8-71354799-G-A. GRCh37 (hg19) VCF-style: chr8-72267034-G-A.
Other names: c.107C>T (NM_172058.3); c.107C>T, p.Thr36Ile (NM_001288574.2, NM_001370334.1, NM_001370335.1 and 1 more transcripts); c.-178C>T (NM_001288575.2); c.194C>T, p.Thr65Ile (NM_001370333.1, NM_001370336.1, NM_172059.5); short protein forms T36I, T65I.
Identifiers: ClinVar variation 163440 (VCV000163440.21), dbSNP rs727503048, ClinGen allele CA176085.
Genomic context (GRCh38, chr8:71,354,799, plus strand): 5'-AGAAACAAGGTGCAAAGTAAATAGTGAGAAGGCAGACACTCACCTTCGGTGCCATTGGGA[G>A]TCATGGAATTACTATTTATATGAGAGTTACCGAGTTTGGGGCCACTGGGGGATTCACTAC-3'
Protein context (NP_000494.2, residues 26-46): GNSHINSNSM[Thr36Ile]PNGTEVKTEP